The following is an entry in ClinVar:

NM_152383.5(DIS3L2):c.718G>A (p.Glu240Lys)

Gene: DIS3L2 (DIS3 like 3'-5' exoribonuclease 2; plus strand). Cytogenetic location: 2q37.1.
Variant type: single nucleotide variant.
Coding change: c.718G>A on transcript NM_152383.5 (MANE Select); coding-DNA position 718, G replaced by A.
Protein change: p.Glu240Lys; replaces glutamic acid 240 with lysine.
Molecular consequence: missense variant. On other transcripts: non-coding transcript variant (1).
Genome position (GRCh38, 1-based): chr2:232,136,487, G>A. VCF-style: chr2-232136487-G-A. GRCh37 (hg19) VCF-style: chr2-233001197-G-A.
Other names: c.718G>A, p.Glu240Lys (NM_001257281.2); short protein forms E240K.
Identifiers: ClinVar variation 4743888 (VCV004743888.1).
Genomic context (GRCh38, chr2:232,136,487, plus strand): 5'-AGTTCTGCAGATAAACAACATTGACTATATCTTTGGTGTTTTTAGGTGGTTTACATCTTG[G>A]AGAAAAAACATTCTCGAGCAGCAACCGGCTTCCTCAAACTCTTGGCTGATAAGAACAGCG-3'
Protein context (NP_689596.4, residues 230-250): QRSAKVVYIL[Glu240Lys]KKHSRAATGF

ClinVar aggregate classification (germline): Uncertain significance (1 of 4 stars; one submission).

Conditions:
Perlman syndrome (PRLMNS). Identifiers: Orphanet 2849, MedGen C0796113, MONDO:0009965, OMIM 267000.

Submission:

Labcorp Genetics (formerly Invitae), Labcorp
Classification: Uncertain significance for Perlman syndrome. Last evaluated: 2025-09-05. Review status: criteria provided, single submitter. Criteria: Invitae Variant Classification Sherloc (09022015). Collection method: clinical testing. Allele origin: germline.
Comment: This sequence change replaces glutamic acid, which is acidic and polar, with lysine, which is basic and polar, at codon 240 of the DIS3L2 protein (p.Glu240Lys). This variant is not present in population databases (gnomAD no frequency). This variant has not been reported in the literature in individuals affected with DIS3L2-related conditions. Invitae Evidence Modeling of protein sequence and biophysical properties (such as structural, functional, and spatial information, amino acid conservation, physicochemical variation, residue mobility, and thermodynamic stability) indicates that this missense variant is not expected to disrupt DIS3L2 protein function with a negative predictive value of 80%. In summary, the available evidence is currently insufficient to determine the role of this variant in disease. Therefore, it has been classified as a Variant of Uncertain Significance.